The following is an entry in ClinVar:

ClinVar aggregate classification (germline): Likely benign. Review status: criteria provided, multiple submitters, no conflicts (2 of 4 stars). 3 submissions from 3 submitters: Likely benign (3). Last evaluated 2025-06-23.

Conditions:
Hypercholesterolemia, autosomal dominant, type B (FHCL2). Also called: APOB-Related Familial Hypercholesterolemia, Autosomal Dominant; Hyperlipoproteinemia Type IIb; Familial Hypercholesterolemia Type B; APOLIPOPROTEIN B-100, FAMILIAL DEFECTIVE; APOLIPOPROTEIN B-100, FAMILIAL LIGAND-DEFECTIVE; Familial hypercholesterolemia 2. Identifiers: MedGen C1704417, MONDO:0007751, OMIM 144010.
Familial hypobetalipoproteinemia 1. Also called: APOB-Related Familial Hypobetalipoproteinemia; Hypobetalipoproteinemia, normotriglyceridemic; Acanthocytosis with hypobetalipoproteinemia. Identifiers: MedGen C4551990, MONDO:0014252, OMIM 615558.
Cardiovascular phenotype. Identifiers: MedGen CN230736.
Familial hypercholesterolemia. Also called: Familial hypercholesterolemias; Familial hypercholesterolaemia. Identifiers: MedGen C0020445, MONDO:0005439.

Allele frequency attached by ClinVar (database versions not stated): gnomAD exomes 0.00001 and 0.00019; ExAC 0.00003; TOPMed 0.00006; gnomAD 0.00010.
gnomAD v4.1: 279 of 1,575,216 alleles (0.018%); highest among the groups gnomAD compares: Non-Finnish European, 0.024%; no homozygotes.

Submissions (3):

Labcorp Genetics (formerly Invitae), Labcorp
Classification: Likely benign for Familial hypobetalipoproteinemia 1; Hypercholesterolemia, autosomal dominant, type B. Last evaluated: 2025-06-23. Review status: criteria provided, single submitter. Criteria: Invitae Variant Classification Sherloc (09022015). Collection method: clinical testing. Allele origin: germline.

GENinCode PLC
Classification: Likely benign for Familial hypercholesterolemia. Last evaluated: 2023-12-18. Review status: criteria provided, single submitter. Criteria: ACMG Guidelines, 2015. Collection method: clinical testing. Allele origin: germline.
Comment: This is a synonymous (silent) variant that is not predicted by SpliceAI to impact splicing. In addition, it occurs at a nucleotide that is not conserved. Therefore this variant has been classified as Likely Benign (BP4, BP7).

Ambry Genetics
Classification: Likely benign for Cardiovascular phenotype. Last evaluated: 2018-04-04. Review status: criteria provided, single submitter. Criteria: Ambry Variant Classification Scheme 2023. Collection method: clinical testing. Allele origin: germline.

NM_000384.3(APOB):c.6645C>T (p.His2215=)

Gene: APOB (apolipoprotein B; minus strand). Cytogenetic location: 2p24.1.
Variant type: single nucleotide variant.
Coding change: c.6645C>T on transcript NM_000384.3 (MANE Select); coding-DNA position 6645, C replaced by T.
Protein change: p.His2215=; no amino-acid change (histidine 2215 retained).
Molecular consequence: synonymous variant.
Genome position (GRCh38, 1-based): chr2:21,010,223, G>A on the plus strand (C>T on the coding strand, the complement: APOB is on the minus strand). VCF-style: chr2-21010223-G-A. GRCh37 (hg19) VCF-style: chr2-21233095-G-A.
Identifiers: ClinVar variation 630287 (VCV000630287.16), dbSNP rs751879183, ClinGen allele CA063396.
Genomic context (GRCh38, chr2:21,010,223, plus strand): 5'-ATTTTCAATAAACAAATGTAGATCATGGATTGTTTTTACTAAATTTACACGGATATGATA[G>A]TGCTCATCAAGACTTTTTAATTTTTCAATGATTTCATCAATAATATTAGCAATAGCTATT-3'
Protein context (NP_000375.3, residues 2205-2225): IIEKLKSLDE[His2215=]YHIRVNLVKT